The following is an entry in ClinVar:

NM_001457.4(FLNB):c.7720G>C (p.Val2574Leu)

Gene: FLNB (filamin B; plus strand). Cytogenetic location: 3p14.3.
Variant type: single nucleotide variant.
Coding change: c.7720G>C on transcript NM_001457.4 (MANE Select); coding-DNA position 7720, G replaced by C.
Protein change: p.Val2574Leu; replaces valine 2574 with leucine.
Molecular consequence: missense variant.
Genome position (GRCh38, 1-based): chr3:58,170,673, G>C. VCF-style: chr3-58170673-G-C. GRCh37 (hg19) VCF-style: chr3-58156400-G-C.
Other names: c.7813G>C, p.Val2605Leu (NM_001164317.2); c.7687G>C, p.Val2563Leu (NM_001164318.2); c.7648G>C, p.Val2550Leu (NM_001164319.2); short protein forms V2550L, V2574L, V2605L, V2563L.
Identifiers: ClinVar variation 2996622 (VCV002996622.3), dbSNP rs765974957, ClinGen allele CA353336277.

ClinVar aggregate classification (germline): Uncertain significance (1 of 4 stars; one submission).

Submission:

Labcorp Genetics (formerly Invitae), Labcorp
Classification: Uncertain significance. Last evaluated: 2023-04-18. Review status: criteria provided, single submitter. Criteria: Invitae Variant Classification Sherloc (09022015). Collection method: clinical testing. Allele origin: germline.
Comment: This sequence change replaces valine, which is neutral and non-polar, with leucine, which is neutral and non-polar, at codon 2574 of the FLNB protein (p.Val2574Leu). This variant is not present in population databases (gnomAD no frequency). This variant has not been reported in the literature in individuals affected with FLNB-related conditions. Advanced modeling of protein sequence and biophysical properties (such as structural, functional, and spatial information, amino acid conservation, physicochemical variation, residue mobility, and thermodynamic stability) performed at Invitae indicates that this missense variant is not expected to disrupt FLNB protein function. In summary, the available evidence is currently insufficient to determine the role of this variant in disease. Therefore, it has been classified as a Variant of Uncertain Significance.